The following is an entry in ClinVar:

NM_000069.3(CACNA1S):c.1948T>C (p.Tyr650His)

Gene: CACNA1S (calcium voltage-gated channel subunit alpha1 S; minus strand). Cytogenetic location: 1q32.1.
Variant type: single nucleotide variant.
Coding change: c.1948T>C on transcript NM_000069.3 (MANE Select); coding-DNA position 1948, T replaced by C.
Protein change: p.Tyr650His; replaces tyrosine 650 with histidine.
Molecular consequence: missense variant.
Genome position (GRCh38, 1-based): chr1:201,075,495, A>G on the plus strand (T>C on the coding strand, the complement: CACNA1S is on the minus strand). VCF-style: chr1-201075495-A-G. GRCh37 (hg19) VCF-style: chr1-201044623-A-G.
Other names: short protein forms Y650H.
Identifiers: ClinVar variation 4282085 (VCV004282085.1).

ClinVar aggregate classification (germline): Uncertain significance (1 of 4 stars; one submission).

Submission:

GeneDx
Classification: Uncertain significance. Last evaluated: 2025-04-16. Review status: criteria provided, single submitter. Criteria: GeneDx Variant Classification Process June 2021. Collection method: clinical testing. Allele origin: germline. Affected: yes.
Comment: Not observed at significant frequency in large population cohorts (gnomAD); In silico analysis supports that this missense variant has a deleterious effect on protein structure/function; Has not been previously published as pathogenic or benign to our knowledge